The following is an entry in ClinVar:

ClinVar aggregate classification (germline): Conflicting classifications of pathogenicity. Review status: criteria provided, conflicting classifications (1 of 4 stars). 2 submissions from 2 submitters: Uncertain significance (1); Likely benign (1). Last evaluated 2025-01-16.

Conditions:
GLI3-related disorder. Also called: GLI3-related disorders; GLI3-related condition. Identifiers: MedGen CN239292.
Greig cephalopolysyndactyly syndrome (GCPS). Also called: Greig syndrome; GLI3-Related Greig Cephalopolysyndactyly Syndrome; POLYSYNDACTYLY WITH PECULIAR SKULL SHAPE. Identifiers: Orphanet 380, MedGen C0265306, MONDO:0008287, OMIM 175700.
Polysyndactyly 4. Also called: Polysyndactyly uncomplicated; Preaxial polydactyly 4. Identifiers: Orphanet 93338, MedGen C1868111, MONDO:0008272, OMIM 174700.
Polydactyly, postaxial, type A1. Identifiers: MedGen C4282400, MONDO:0008266, OMIM 174200.
Pallister-Hall syndrome (PHS). Also called: GLI3-Related Pallister-Hall Syndrome; HYPOTHALAMIC HAMARTOBLASTOMA, HYPOPITUITARISM, IMPERFORATE ANUS, AND POSTAXIAL POLYDACTYLY. Identifiers: Orphanet 672, MedGen C0265220, MONDO:0007804, OMIM 146510.

gnomAD v4.1: 29 of 1,607,922 alleles (0.0018%); highest among the groups gnomAD compares: Middle Eastern, 0.016%; no homozygotes.

Submissions (2):

PreventionGenetics, part of Exact Sciences
Classification: Uncertain significance for GLI3-related condition. Last evaluated: 2025-01-16. Review status: criteria provided, single submitter. Criteria: ACMG Guidelines, 2015. Collection method: clinical testing. Allele origin: germline.
Comment: The GLI3 c.3622G>A variant is predicted to result in the amino acid substitution p.Gly1208Arg. To our knowledge, this variant has not been reported in the literature. This variant is reported in 0.00089% of alleles in individuals of European (non-Finnish) descent in gnomAD. At this time, the clinical significance of this variant is uncertain due to the absence of conclusive functional and genetic evidence.

Fulgent Genetics
Classification: Likely benign for Pallister-Hall syndrome; Polydactyly, postaxial, type A1; Polysyndactyly 4; Greig cephalopolysyndactyly syndrome. Last evaluated: 2024-05-12. Review status: criteria provided, single submitter. Criteria: ACMG Guidelines, 2015. Collection method: clinical testing. Allele origin: germline.

NM_000168.6(GLI3):c.3622G>A (p.Gly1208Arg)

Gene: GLI3 (GLI family zinc finger 3; minus strand). Cytogenetic location: 7p14.1.
Variant type: single nucleotide variant.
Coding change: c.3622G>A on transcript NM_000168.6 (MANE Select); coding-DNA position 3622, G replaced by A.
Protein change: p.Gly1208Arg; replaces glycine 1208 with arginine.
Molecular consequence: missense variant.
Genome position (GRCh38, 1-based): chr7:41,965,451, C>T on the plus strand (G>A on the coding strand, the complement: GLI3 is on the minus strand). VCF-style: chr7-41965451-C-T. GRCh37 (hg19) VCF-style: chr7-42005049-C-T.
Other names: c.3622G>A (NM_000168.5); short protein forms G1208R.
Identifiers: ClinVar variation 3594629 (VCV003594629.2).